The following is an entry in ClinVar:

NM_001134831.2(AHI1):c.2767G>A (p.Ala923Thr)

Gene: AHI1 (Abelson helper integration site 1; minus strand). Cytogenetic location: 6q23.3.
Variant type: single nucleotide variant.
Coding change: c.2767G>A on transcript NM_001134831.2 (MANE Select); coding-DNA position 2767, G replaced by A.
Protein change: p.Ala923Thr; replaces alanine 923 with threonine.
Molecular consequence: missense variant.
Genome position (GRCh38, 1-based): chr6:135,411,542, C>T on the plus strand (G>A on the coding strand, the complement: AHI1 is on the minus strand). VCF-style: chr6-135411542-C-T. GRCh37 (hg19) VCF-style: chr6-135732680-C-T.
Other names: c.2767G>A, p.Ala923Thr (NM_001134830.2, NM_001134832.2, NM_001350503.2 and 2 more transcripts); short protein forms A923T.
Identifiers: ClinVar variation 2177611 (VCV002177611.4), dbSNP rs778088464, ClinGen allele CA4012268.

ClinVar aggregate classification (germline): Uncertain significance (1 of 4 stars; one submission).

Conditions:
Joubert syndrome. Also called: CEREBELLOPARENCHYMAL DISORDER IV; JOUBERT-BOLTSHAUSER SYNDROME; Familial aplasia of the vermis. Identifiers: Orphanet 475, MedGen C5979921, MONDO:0018772.

Allele frequency attached by ClinVar (database versions not stated): TOPMed below 0.00001; gnomAD 0.00001; ExAC 0.00004.
gnomAD v4.1: 7 of 1,563,024 alleles (0.00045%); highest among the groups gnomAD compares: Non-Finnish European, 0.00061%; no homozygotes.

Submission:

Labcorp Genetics (formerly Invitae), Labcorp
Classification: Uncertain significance for Joubert syndrome. Last evaluated: 2022-12-02. Review status: criteria provided, single submitter. Criteria: Invitae Variant Classification Sherloc (09022015). Collection method: clinical testing. Allele origin: germline.
Comment: In summary, the available evidence is currently insufficient to determine the role of this variant in disease. Therefore, it has been classified as a Variant of Uncertain Significance. Algorithms developed to predict the effect of missense changes on protein structure and function are either unavailable or do not agree on the potential impact of this missense change (SIFT: "Tolerated"; PolyPhen-2: "Possibly Damaging"; Align-GVGD: "Class C0"). This variant has not been reported in the literature in individuals affected with AHI1-related conditions. This variant is present in population databases (rs778088464, gnomAD 0.005%). This sequence change replaces alanine, which is neutral and non-polar, with threonine, which is neutral and polar, at codon 923 of the AHI1 protein (p.Ala923Thr).